The following is an entry in ClinVar:

ClinVar aggregate classification (germline): Uncertain significance (1 of 4 stars; one submission).

Allele frequency attached by ClinVar (database versions not stated): gnomAD 0.00001; gnomAD exomes 0.00001.
gnomAD v4.1: 13 of 1,550,878 alleles (0.00084%); highest among the groups gnomAD compares: Non-Finnish European, 0.0011%; no homozygotes.

Submission:

Labcorp Genetics (formerly Invitae), Labcorp
Classification: Uncertain significance. Last evaluated: 2024-02-24. Review status: criteria provided, single submitter. Criteria: Invitae Variant Classification Sherloc (09022015). Collection method: clinical testing. Allele origin: germline.
Comment: This sequence change replaces arginine, which is basic and polar, with isoleucine, which is neutral and non-polar, at codon 83 of the DTHD1 protein (p.Arg83Ile). The frequency data for this variant in the population databases is considered unreliable, as metrics indicate poor data quality at this position in the gnomAD database. This variant has not been reported in the literature in individuals affected with DTHD1-related conditions. ClinVar contains an entry for this variant (Variation ID: 998854). An algorithm developed to predict the effect of missense changes on protein structure and function (PolyPhen-2) suggests that this variant is likely to be disruptive. In summary, the available evidence is currently insufficient to determine the role of this variant in disease. Therefore, it has been classified as a Variant of Uncertain Significance.

NM_001170700.3(DTHD1):c.1118G>T (p.Arg373Ile)

Gene: DTHD1 (death domain containing 1; plus strand). Cytogenetic location: 4p14.
Variant type: single nucleotide variant.
Coding change: c.1118G>T on transcript NM_001170700.3 (MANE Select); coding-DNA position 1118, G replaced by T.
Protein change: p.Arg373Ile; replaces arginine 373 with isoleucine.
Molecular consequence: missense variant. On other transcripts: non-coding transcript variant (2).
Genome position (GRCh38, 1-based): chr4:36,290,603, G>T. VCF-style: chr4-36290603-G-T. GRCh37 (hg19) VCF-style: chr4-36292225-G-T.
Other names: c.248G>T, p.Arg83Ile (NM_001136536.5, NM_001378435.1); short protein forms R373I, R83I.
Identifiers: ClinVar variation 998854 (VCV000998854.8), dbSNP rs1323909494, ClinGen allele CA356679074.